The following is an entry in ClinVar:

ClinVar aggregate classification (germline): Uncertain significance (1 of 4 stars; one submission).

Allele frequency attached by ClinVar (database versions not stated): gnomAD exomes below 0.00001; gnomAD 0.00001.
gnomAD v4.1: 3 of 1,612,758 alleles (0.00019%); highest among the groups gnomAD compares: Non-Finnish European, 0.00025%; no homozygotes.

Submission:

Labcorp Genetics (formerly Invitae), Labcorp
Classification: Uncertain significance. Last evaluated: 2024-09-26. Review status: criteria provided, single submitter. Criteria: Invitae Variant Classification Sherloc (09022015). Collection method: clinical testing. Allele origin: germline.
Comment: This sequence change replaces proline, which is neutral and non-polar, with serine, which is neutral and polar, at codon 3180 of the HMCN1 protein (p.Pro3180Ser). This variant is present in population databases (no rsID available, gnomAD 0.01%). This variant has not been reported in the literature in individuals affected with HMCN1-related conditions. An algorithm developed to predict the effect of missense changes on protein structure and function (PolyPhen-2) suggests that this variant is likely to be disruptive. In summary, the available evidence is currently insufficient to determine the role of this variant in disease. Therefore, it has been classified as a Variant of Uncertain Significance.

NM_031935.3(HMCN1):c.9538C>T (p.Pro3180Ser)

Gene: HMCN1 (hemicentin 1; plus strand). Cytogenetic location: 1q31.1.
Variant type: single nucleotide variant.
Coding change: c.9538C>T on transcript NM_031935.3 (MANE Select); coding-DNA position 9538, C replaced by T.
Protein change: p.Pro3180Ser; replaces proline 3180 with serine.
Molecular consequence: missense variant.
Genome position (GRCh38, 1-based): chr1:186,088,237, C>T. VCF-style: chr1-186088237-C-T. GRCh37 (hg19) VCF-style: chr1-186057369-C-T.
Other names: short protein forms P3180S.
Identifiers: ClinVar variation 2782922 (VCV002782922.3), dbSNP rs1401135284, ClinGen allele CA343921617.
Genomic context (GRCh38, chr1:186,088,237, plus strand): 5'-GTGATTGTGGAGACGATCAGCAATCCTGTGACATTAACATGTGATGCCACTGGGATCCCA[C>T]CTCCCACGATAGCATGGTTAAAGAACCACAAGCGCATAGGTAAGGCAACCATGCATTTTT-3'
Protein context (NP_114141.2, residues 3170-3190): TLTCDATGIP[Pro3180Ser]PTIAWLKNHK